The following is an entry in ClinVar:

ClinVar aggregate classification (germline): Uncertain significance (1 of 4 stars; one submission).

Conditions:
SHORT syndrome. Also called: SHORT STATURE, HYPEREXTENSIBILITY, HERNIA, OCULAR DEPRESSION, RIEGER ANOMALY, AND TEETHING DELAY; PIK3R1-Related SHORT Syndrome; LIPODYSTROPHY, PARTIAL, WITH RIEGER ANOMALY AND SHORT STATURE. Identifiers: Orphanet 3163, MedGen C0878684, MONDO:0010026, OMIM 269880.
Agammaglobulinemia 7, autosomal recessive (AGM7). Also called: AGAMMAGLOBULINEMIA, AUTOSOMAL RECESSIVE, DUE TO PIK3R1 DEFECT. Identifiers: MedGen C3554689, MONDO:0014083, OMIM 615214.
Immunodeficiency 36 with lymphoproliferation. Also called: ACTIVATED PI3K-DELTA SYNDROME 2; Immunodeficiency 36; Activated PI3K Delta Syndrome Type 2 (APDS2). Identifiers: Orphanet 397596, Orphanet 693681, MedGen C4014934, MONDO:0014453, OMIM 616005.

Submission:

Labcorp Genetics (formerly Invitae), Labcorp
Classification: Uncertain significance for SHORT syndrome; Immunodeficiency 36 with lymphoproliferation; Agammaglobulinemia 7, autosomal recessive. Last evaluated: 2023-07-07. Review status: criteria provided, single submitter. Criteria: Invitae Variant Classification Sherloc (09022015). Collection method: clinical testing. Allele origin: germline.
Comment: In summary, the available evidence is currently insufficient to determine the role of this variant in disease. Therefore, it has been classified as a Variant of Uncertain Significance. An algorithm developed to predict the effect of missense changes on protein structure and function (PolyPhen-2) suggests that this variant is likely to be tolerated. ClinVar contains an entry for this variant (Variation ID: 1994583). This variant has not been reported in the literature in individuals affected with PIK3R1-related conditions. This variant is not present in population databases (gnomAD no frequency). This sequence change replaces threonine, which is neutral and polar, with lysine, which is basic and polar, at codon 152 of the PIK3R1 protein (p.Thr152Lys).

NM_181523.3(PIK3R1):c.455C>A (p.Thr152Lys)

Gene: PIK3R1 (phosphoinositide-3-kinase regulatory subunit 1; plus strand). Cytogenetic location: 5q13.1.
Variant type: single nucleotide variant.
Coding change: c.455C>A on transcript NM_181523.3 (MANE Select); coding-DNA position 455, C replaced by A.
Protein change: p.Thr152Lys; replaces threonine 152 with lysine.
Molecular consequence: missense variant.
Genome position (GRCh38, 1-based): chr5:68,273,966, C>A. VCF-style: chr5-68273966-C-A. GRCh37 (hg19) VCF-style: chr5-67569794-C-A.
Other names: short protein forms T152K.
Identifiers: ClinVar variation 1994583 (VCV001994583.4), dbSNP rs2530930871, ClinGen allele CA359872954.